The following is an entry in ClinVar:

ClinVar aggregate classification (germline): Uncertain significance. Review status: criteria provided, multiple submitters, no conflicts (2 of 4 stars). 2 submissions from 2 submitters: Uncertain significance (2). Last evaluated 2025-12-03.

Conditions:
Inborn genetic diseases. Identifiers: MedGen C0950123, MeSH D030342.

Allele frequency attached by ClinVar (database versions not stated): TOPMed 0.00002; gnomAD 0.00001.
gnomAD v4.1: 4 of 1,613,832 alleles (0.00025%); highest among the groups gnomAD compares: African/African-American, 0.0013%; no homozygotes.

Submissions (2):

Ambry Genetics
Classification: Uncertain significance for Inborn genetic diseases. Last evaluated: 2025-12-03. Review status: criteria provided, single submitter. Criteria: Ambry Variant Classification Scheme 2023. Collection method: clinical testing. Allele origin: germline.

Labcorp Genetics (formerly Invitae), Labcorp
Classification: Uncertain significance. Last evaluated: 2021-11-01. Review status: criteria provided, single submitter. Criteria: Invitae Variant Classification Sherloc (09022015). Collection method: clinical testing. Allele origin: germline.
Comment: This sequence change replaces threonine, which is neutral and polar, with proline, which is neutral and non-polar, at codon 2117 of the PCLO protein (p.Thr2117Pro). This variant is not present in population databases (gnomAD no frequency). This variant has not been reported in the literature in individuals affected with PCLO-related conditions. Algorithms developed to predict the effect of missense changes on protein structure and function are either unavailable or do not agree on the potential impact of this missense change (SIFT: "Tolerated"; PolyPhen-2: "Not Available"; Align-GVGD: "Class C0"). In summary, the available evidence is currently insufficient to determine the role of this variant in disease. Therefore, it has been classified as a Variant of Uncertain Significance.

NM_033026.6(PCLO):c.6349A>C (p.Thr2117Pro)

Gene: PCLO (piccolo presynaptic cytomatrix protein; minus strand). Cytogenetic location: 7q21.11.
Variant type: single nucleotide variant.
Coding change: c.6349A>C on transcript NM_033026.6 (MANE Select); coding-DNA position 6349, A replaced by C.
Protein change: p.Thr2117Pro; replaces threonine 2117 with proline.
Molecular consequence: missense variant.
Genome position (GRCh38, 1-based): chr7:82,954,604, T>G on the plus strand (A>C on the coding strand, the complement: PCLO is on the minus strand). VCF-style: chr7-82954604-T-G. GRCh37 (hg19) VCF-style: chr7-82583920-T-G.
Other names: c.6349A>C, p.Thr2117Pro (NM_014510.3); c.6349A>C (NM_033026.5); short protein forms T2117P.
Identifiers: ClinVar variation 1492367 (VCV001492367.4), dbSNP rs1351124840, ClinGen allele CA367919768.